The following is an entry in ClinVar:

ClinVar aggregate classification (germline): Likely pathogenic (1 of 4 stars; one submission).

Conditions:
Primary ciliary dyskinesia. Also called: Ciliary dyskinesia. Identifiers: Orphanet 244, MedGen C0008780, MONDO:0016575, HP:0012265.

Submission:

Labcorp Genetics (formerly Invitae), Labcorp
Classification: Likely pathogenic for Primary ciliary dyskinesia. Last evaluated: 2023-07-17. Review status: criteria provided, single submitter. Criteria: Invitae Variant Classification Sherloc (09022015). Collection method: clinical testing. Allele origin: germline.
Comment: In summary, the currently available evidence indicates that the variant is pathogenic, but additional data are needed to prove that conclusively. Therefore, this variant has been classified as Likely Pathogenic. Algorithms developed to predict the effect of sequence changes on RNA splicing suggest that this variant may disrupt the consensus splice site. This variant has not been reported in the literature in individuals affected with DNAH5-related conditions. This variant is not present in population databases (gnomAD no frequency). This sequence change affects an acceptor splice site in intron 8 of the DNAH5 gene. It is expected to disrupt RNA splicing. Variants that disrupt the donor or acceptor splice site typically lead to a loss of protein function (PMID: 16199547), and loss-of-function variants in DNAH5 are known to be pathogenic (PMID: 11788826, 16627867).

Literature cited by the submitters: PubMed 16199547; PubMed 11788826; PubMed 16627867.

NM_001369.3(DNAH5):c.1090-2A>C

Gene: DNAH5 (dynein axonemal heavy chain 5; minus strand). Cytogenetic location: 5p15.2.
Variant type: single nucleotide variant.
Coding change: c.1090-2A>C on transcript NM_001369.3 (MANE Select); the canonical splice acceptor site of the intron before coding-DNA position 1090, A replaced by C.
Molecular consequence: splice acceptor variant.
Genome position (GRCh38, 1-based): chr5:13,916,457, T>G on the plus strand (A>C on the coding strand, the complement: DNAH5 is on the minus strand). VCF-style: chr5-13916457-T-G. GRCh37 (hg19) VCF-style: chr5-13916566-T-G.
Identifiers: ClinVar variation 2743996 (VCV002743996.3), dbSNP rs2547135442, ClinGen allele CA359217296.